The following is an entry in ClinVar:

ClinVar aggregate classification (germline): Uncertain significance (1 of 4 stars; one submission).

Conditions:
Regional enteritis. Also called: Enteritis, Granulomatous. Identifiers: MedGen C0678202, MeSH D003424.
Blau syndrome (BLAUS). Also called: ARTHROCUTANEOUVEAL GRANULOMATOSIS; GRANULOMATOSIS, FAMILIAL JUVENILE SYSTEMIC; GRANULOMATOSIS, FAMILIAL, BLAU TYPE; GRANULOMATOUS INFLAMMATORY ARTHRITIS, DERMATITIS, AND UVEITIS, FAMILIAL; JABS SYNDROME. Identifiers: Orphanet 90340, MedGen C5201146, MONDO:0008523, OMIM 186580.

Submission:

Labcorp Genetics (formerly Invitae), Labcorp
Classification: Uncertain significance for Regional enteritis; Blau syndrome. Last evaluated: 2024-10-03. Review status: criteria provided, single submitter. Criteria: Invitae Variant Classification Sherloc (09022015). Collection method: clinical testing. Allele origin: germline.
Comment: This sequence change replaces valine, which is neutral and non-polar, with phenylalanine, which is neutral and non-polar, at codon 358 of the NOD2 protein (p.Val358Phe). This variant is not present in population databases (gnomAD no frequency). This variant has not been reported in the literature in individuals affected with NOD2-related conditions. Invitae Evidence Modeling of protein sequence and biophysical properties (such as structural, functional, and spatial information, amino acid conservation, physicochemical variation, residue mobility, and thermodynamic stability) indicates that this missense variant is not expected to disrupt NOD2 protein function with a negative predictive value of 95%. In summary, the available evidence is currently insufficient to determine the role of this variant in disease. Therefore, it has been classified as a Variant of Uncertain Significance.

NM_001370466.1(NOD2):c.991G>T (p.Val331Phe)

Gene: NOD2 (nucleotide binding oligomerization domain containing 2; plus strand). Cytogenetic location: 16q12.1.
Variant type: single nucleotide variant.
Coding change: c.991G>T on transcript NM_001370466.1 (MANE Select); coding-DNA position 991, G replaced by T.
Protein change: p.Val331Phe; replaces valine 331 with phenylalanine.
Molecular consequence: missense variant. On other transcripts: non-coding transcript variant (1).
Genome position (GRCh38, 1-based): chr16:50,710,983, G>T. VCF-style: chr16-50710983-G-T. GRCh37 (hg19) VCF-style: chr16-50744894-G-T.
Other names: c.991G>T, p.Val331Phe (NM_001293557.2); c.1072G>T, p.Val358Phe (NM_022162.3); short protein forms V331F, V358F.
Identifiers: ClinVar variation 3754272 (VCV003754272.2).
Genomic context (GRCh38, chr16:50,710,983, plus strand): 5'-TGCATGGCCAAACCACTCTCTGTGCGGACTCTACTCTTTGAGCACTGCTGTTGGCCTGAT[G>T]TTGGTCAAGAAGACATCTTCCAGTTACTCCTTGACCACCCTGACCGTGTCCTGTTAACCT-3'
Protein context (NP_001357395.1, residues 321-341): LLFEHCCWPD[Val331Phe]GQEDIFQLLL